The following is an entry in ClinVar:

NC_000003.12:g.(?_160299237)_(160319939_?)del

Gene: IFT80 (intraflagellar transport 80; minus strand). Cytogenetic location: 3q25.33.
Variant type: Deletion.
Identifiers: ClinVar variation 830648 (VCV000830648.5).

ClinVar aggregate classification (germline): Pathogenic (1 of 4 stars; one submission).

Conditions:
Jeune thoracic dystrophy. Also called: Infantile thoracic dystrophy; Thoracic pelvic phalangeal dystrophy; Jeune's syndrome; Chondroectodermal dysplasia-like syndrome; Jeune syndrome; Short-rib thoracic dysplasia. Identifiers: Orphanet 474, MedGen C0265275, MONDO:0018770.

Submission:

Labcorp Genetics (formerly Invitae), Labcorp
Classification: Pathogenic for Jeune thoracic dystrophy. Last evaluated: 2022-10-05. Review status: criteria provided, single submitter. Criteria: Invitae Variant Classification Sherloc (09022015). Collection method: clinical testing. Allele origin: germline.
Comment: This variant is a gross deletion of the genomic region encompassing exon(s) 9-12 of the IFT80 gene. This deletion is out-of-frame, and is expected to create a premature termination codon and result in an absent or disrupted protein product. Loss-of-function variants in IFT80 are known to be pathogenic (PMID: 21227999, 23339108, 29068549). This variant has not been reported in the literature in individuals affected with IFT80-related conditions. For these reasons, this variant has been classified as Pathogenic.

Literature cited by the submitters: PubMed 21227999; PubMed 23339108; PubMed 29068549.